The following is an entry in ClinVar:

ClinVar aggregate classification (germline): Pathogenic (1 of 4 stars; one submission).

Conditions:
Primary hyperoxaluria, type II (HP2). Also called: D-GLYCERATE DEHYDROGENASE DEFICIENCY; GLYCERIC ACIDURIA; GLYOXYLATE REDUCTASE/HYDROXYPYRUVATE REDUCTASE DEFICIENCY; OXALOSIS II; Primary hyperoxaluria type 2. Identifiers: Orphanet 416, Orphanet 93599, MedGen C0268165, MONDO:0009824, OMIM 260000. Disease mechanism: loss of function.

Submission:

Myriad Genetics, Inc.
Classification: Pathogenic for Primary hyperoxaluria, type II. Last evaluated: 2025-01-20. Review status: criteria provided, single submitter. Criteria: Myriad Autosomal Dominant, Autosomal Recessive and X-Linked Classification Criteria (2023). Collection method: clinical testing. Allele origin: unknown.
Comment: NM_012203.1(GRHPR):c.372_381del10(L126Pfs*5) is expected to be pathogenic in the context of primary hyperoxaluria type 2. This variant is predicted to lead to an abnormal or absent protein product due to the creation of a premature termination codon in GRHPR, a gene where loss-of-function variants are known to be pathogenic. Please note: this variant was assessed in the context of healthy population screening.

NM_012203.2(GRHPR):c.372_381del (p.Leu126fs)

Gene: GRHPR (glyoxylate and hydroxypyruvate reductase; plus strand). Cytogenetic location: 9p13.2.
Variant type: Deletion.
Coding change: c.372_381del on transcript NM_012203.2 (MANE Select); coding-DNA positions 372 to 381, 10 bases deleted (CCGGTTGCCG; older notation c.372_381delCCGGTTGCCG).
Protein change: p.Leu126fs; shifts the reading frame from leucine 126.
Molecular consequence: frameshift variant.
Genome position (GRCh38, 1-based): chr9:37,426,622-37,426,631, CCGGTTGCCG deleted; deleting any 10 consecutive bases within chr9:37,426,617-37,426,631 gives the same sequence; the c. name uses the placement nearest the transcript's 3' end. VCF-style (leftmost placement, unchanged base first): chr9-37426616-CTGCCGCCGGT-C. GRCh37 (hg19) VCF-style: chr9-37426613-CTGCCGCCGGT-C.
Other names: short protein forms L126fs.
Identifiers: ClinVar variation 5013991 (VCV005013991.1).
Genomic context (GRCh38, chr9:37,426,616, plus strand): 5'-CACCCCAGATGTCCTGACAGATACCACCGCCGAACTCGCAGTCTCCCTGCTACTTACCAC[CTGCCGCCGGT>C]TGCCGGAGGCCATCGAGGAAGTGAAGAAGTAAGTGAACGCAGACCAGGTGCGGTGGCTCA-3'